The following is an entry in ClinVar:

NM_006005.3(WFS1):c.1583A>G (p.Tyr528Cys)

Gene: WFS1 (wolframin ER transmembrane glycoprotein; plus strand). Cytogenetic location: 4p16.1.
Variant type: single nucleotide variant.
Coding change: c.1583A>G on transcript NM_006005.3 (MANE Select); coding-DNA position 1583, A replaced by G.
Protein change: p.Tyr528Cys; replaces tyrosine 528 with cysteine.
Molecular consequence: missense variant.
Genome position (GRCh38, 1-based): chr4:6,301,378, A>G. VCF-style: chr4-6301378-A-G. GRCh37 (hg19) VCF-style: chr4-6303105-A-G.
Other names: c.1583A>G, p.Tyr528Cys (NM_001145853.1); short protein forms Y528C.
Identifiers: ClinVar variation 1317420 (VCV001317420.2), dbSNP rs1396020735, ClinGen allele CA356176108.

ClinVar aggregate classification (germline): Uncertain significance (1 of 4 stars; one submission).

gnomAD v4.1: 2 of 1,612,474 alleles (0.00012%); highest among the groups gnomAD compares: Non-Finnish European, 0.00017%; no homozygotes.

Submission:

GeneDx
Classification: Uncertain significance. Last evaluated: 2021-06-29. Review status: criteria provided, single submitter. Criteria: GeneDx Variant Classification Process June 2021. Collection method: clinical testing. Allele origin: germline. Affected: yes.
Comment: Not observed in large population cohorts (Lek et al., 2016); In silico analysis supports that this missense variant has a deleterious effect on protein structure/function; Has not been previously published as pathogenic or benign to our knowledge; This variant is associated with the following publications: (PMID: 27535533)